The following is an entry in ClinVar:

ClinVar aggregate classification (germline): Likely benign. Review status: reviewed by expert panel (3 of 4 stars). 2 submissions from 2 submitters: Likely benign (1). 1 of the submissions does not count toward it. Last evaluated 2025-01-15.

Conditions:
Hereditary thrombocytopenia and hematologic cancer predisposition syndrome. Identifiers: Orphanet 71290, MedGen CN281654, MONDO:0011071.
Hereditary thrombocytopenia and hematological cancer predisposition syndrome associated with RUNX1. Also called: Familial Platelet Disorder with Propensity to Acute Myelogenous Leukemia; Familial thrombocytopenia with propensity to acute myelogenous leukemia; PLATELET DISORDER, ASPIRIN-LIKE; RUNX1 Familial Platelet Disorder with Associated Myeloid Malignancies. Identifiers: Orphanet 71290, MedGen C1832388, MeSH C563324, MONDO:0100083, OMIM 601399.

Submissions (2):

ClinGen Myeloid Malignancy Variant Curation Expert Panel
Classification: Likely benign for Hereditary thrombocytopenia and hematologic cancer predisposition syndrome. Last evaluated: 2025-01-15. Review status: reviewed by expert panel. Criteria: ClinGen MyeloMalig ACMG Specifications v2. Collection method: curation. Allele origin: germline. Inheritance: Autosomal dominant inheritance.
Comment: NM_001754.5(RUNX1):c.352-13G>T is an intronic variant which is completely absent from all population databases with at least 20x coverage for RUNX1 (PM2_supporting). This variant has a SpliceAI score of 0.01 (≤ 0.20), and evolutionary conservation algorithms predict the site as not being conserved (PhyloP score 1.09 ≤ 2.0), supporting BP7. Multiple lines of computational evidence suggest no impact on the gene or gene product, with a SpliceAI score of 0.01, supporting BP4. In summary, this variant meets criteria to be classified as likely benign. ACMG/AMP criteria applied, as specified by the Myeloid Malignancy Variant Curation Expert Panel for RUNX1: PM2_supporting, BP4, BP7.

Labcorp Genetics (formerly Invitae), Labcorp
Classification: Likely benign for Hereditary thrombocytopenia and hematological cancer predisposition syndrome associated with RUNX1. Last evaluated: 2022-05-26. Review status: criteria provided, single submitter. Criteria: Invitae Variant Classification Sherloc (09022015). Collection method: clinical testing. Allele origin: germline. Not counted in ClinVar's aggregate classification.

NM_001754.5(RUNX1):c.352-13G>T

Genes: RUNX1 (RUNX family transcription factor 1; minus strand), RUNX1-AS1 (RUNX1 antisense RNA 1; plus strand). Cytogenetic location: 21q22.12.
Variant type: single nucleotide variant.
Coding change: c.352-13G>T on transcript NM_001754.5 (MANE Select); 13 bases into the intron before coding-DNA position 352, G replaced by T.
Molecular consequence: intron variant.
Genome position (GRCh38, 1-based): chr21:34,880,726, C>A on the plus strand (G>T on the coding strand, the complement: RUNX1 is on the minus strand). VCF-style: chr21-34880726-C-A. GRCh37 (hg19) VCF-style: chr21-36253023-C-A.
Other names: c.271-13G>T (NM_001001890.3, NM_001122607.2).
Identifiers: ClinVar variation 1999183 (VCV001999183.5), dbSNP rs2517441543, ClinGen allele CA2580098652.